The following is an entry in ClinVar:

ClinVar aggregate classification (germline): Likely benign. Review status: criteria provided, multiple submitters, no conflicts (2 of 4 stars). 3 submissions from 3 submitters: Likely benign (3). Last evaluated 2025-09-09.

Conditions:
Cardiomyopathy (CMYO). Also called: Cardiomyopathies. Identifiers: Orphanet 167848, MedGen C0878544, MONDO:0004994, HP:0001638. Inheritance: Various modes of inheritance.
Lethal congenital glycogen storage disease of heart. Also called: GLYCOGEN STORAGE DISEASE OF HEART; PHOSPHORYLASE KINASE DEFICIENCY OF HEART. Identifiers: Orphanet 439854, MedGen C1849813, MONDO:0009867, OMIM 261740.
Hypertrophic cardiomyopathy. Also called: HYPERTROPHIC MYOCARDIOPATHY. Identifiers: Orphanet 217569, MedGen C0007194, MeSH D002312, MONDO:0005045, HP:0001639.

gnomAD v4.1: 1 of 1,612,690 alleles (0.000062%); highest among the groups gnomAD compares: East Asian, 0.0022%; no homozygotes.

Submissions (3):

Labcorp Genetics (formerly Invitae), Labcorp
Classification: Likely benign for Lethal congenital glycogen storage disease of heart. Last evaluated: 2025-09-09. Review status: criteria provided, single submitter. Criteria: Invitae Variant Classification Sherloc (09022015). Collection method: clinical testing. Allele origin: germline.

All of Us Research Program, National Institutes of Health
Classification: Likely benign for Hypertrophic cardiomyopathy. Last evaluated: 2024-02-22. Review status: criteria provided, single submitter. Criteria: ACMG Guidelines, 2015. Collection method: clinical testing. Allele origin: germline. Inheritance: Autosomal dominant inheritance. Observed: 1 variant allele, 1 heterozygote.
Comment: This study involves interpretation of variants in research participants for the purpose of population health screening. Participant phenotype was not available at the time of variant classification. Additional details can be found in publication PMID: 35346344, PMCID: PMC8962531

Color Diagnostics, LLC DBA Color Health
Classification: Likely benign for Cardiomyopathy. Last evaluated: 2024-02-14. Review status: criteria provided, single submitter. Criteria: ACMG Guidelines, 2015. Collection method: clinical testing. Allele origin: germline.

NM_016203.4(PRKAG2):c.240C>G (p.Gly80=)

Gene: PRKAG2 (protein kinase AMP-activated non-catalytic subunit gamma 2; minus strand). Cytogenetic location: 7q36.1.
Variant type: single nucleotide variant.
Coding change: c.240C>G on transcript NM_016203.4 (MANE Select); coding-DNA position 240, C replaced by G.
Protein change: p.Gly80=; no amino-acid change (glycine 80 retained).
Molecular consequence: synonymous variant.
Genome position (GRCh38, 1-based): chr7:151,781,378, G>C on the plus strand (C>G on the coding strand, the complement: PRKAG2 is on the minus strand). VCF-style: chr7-151781378-G-C. GRCh37 (hg19) VCF-style: chr7-151478464-G-C.
Other names: c.108C>G, p.Gly36= (NM_001040633.2).
Identifiers: ClinVar variation 1616307 (VCV001616307.9), dbSNP rs142482217, ClinGen allele CA458884030.
Genomic context (GRCh38, chr7:151,781,378, plus strand): 5'-GCCGGGGCTGGTCTTGGGCCTCACAGGTGCAGACATGGGGCTGGAGGGCCGGGGCTGGGG[G>C]CCTCTGGAGAAGAACCCTTTGGAGGGGCTGCCCGGGCCGAAGGGGCTGTCCACCTGCAGA-3'
Protein context (NP_057287.2, residues 70-90): GSPSKGFFSR[Gly80=]PQPRPSSPMS